The following is an entry in ClinVar:

NM_002427.4(MMP13):c.1372C>T (p.Arg458Cys)

Gene: MMP13 (matrix metallopeptidase 13; minus strand). Cytogenetic location: 11q22.2.
Variant type: single nucleotide variant.
Coding change: c.1372C>T on transcript NM_002427.4 (MANE Select); coding-DNA position 1372, C replaced by T.
Protein change: p.Arg458Cys; replaces arginine 458 with cysteine.
Molecular consequence: missense variant.
Genome position (GRCh38, 1-based): chr11:102,944,310, G>A on the plus strand (C>T on the coding strand, the complement: MMP13 is on the minus strand). VCF-style: chr11-102944310-G-A. GRCh37 (hg19) VCF-style: chr11-102815039-G-A.
Other names: short protein forms R458C.
Identifiers: ClinVar variation 301974 (VCV000301974.15), dbSNP rs142064825, ClinGen allele CA6251674.

ClinVar aggregate classification (germline): Conflicting classifications of pathogenicity. Review status: criteria provided, conflicting classifications (1 of 4 stars). 5 submissions from 4 submitters: Uncertain significance (2); Benign (1); Likely benign (2). Last evaluated 2026-06-01.

Conditions:
Metaphyseal chondrodysplasia, Spahr type (MDST). Identifiers: Orphanet 2501, MedGen C0432225, MONDO:0009597, OMIM 250400.
Metaphyseal anadysplasia. Also called: Early-onset regressive form of metaphyseal dysplasia. Identifiers: Orphanet 1040, MedGen C0432226, MONDO:0015177.
Spondyloepimetaphyseal dysplasia, Missouri type. Identifiers: Orphanet 1040, Orphanet 93356, MedGen C1865832, MONDO:0011198, OMIM 602111.

Allele frequency attached by ClinVar (database versions not stated): ExAC 0.00068; gnomAD 0.00070 and 0.00071; gnomAD exomes 0.00070; ESP Exome Variant Server 0.00100; TOPMed 0.00101; 1000 Genomes Project 0.00120.

Submissions (5):

CeGaT Center for Human Genetics Tuebingen
Classification: Likely benign. Last evaluated: 2026-06-01. Review status: criteria provided, single submitter. Criteria: CeGaT Center For Human Genetics Tuebingen Variant Classification Criteria Version 2. Collection method: clinical testing. Allele origin: germline. Affected: yes. Observed: 1 variant allele.
Comment: MMP13: BS2

Labcorp Genetics (formerly Invitae), Labcorp
Classification: Uncertain significance. Last evaluated: 2026-01-12. Review status: criteria provided, single submitter. Criteria: Invitae Variant Classification Sherloc (09022015). Collection method: clinical testing. Allele origin: germline.
Comment: This sequence change replaces arginine, which is basic and polar, with cysteine, which is neutral and slightly polar, at codon 458 of the MMP13 protein (p.Arg458Cys). This variant is present in population databases (rs142064825, gnomAD 0.1%), and has an allele count higher than expected for a pathogenic variant. This variant has not been reported in the literature in individuals affected with MMP13-related conditions. ClinVar contains an entry for this variant (Variation ID: 301974). Invitae Evidence Modeling of protein sequence and biophysical properties (such as structural, functional, and spatial information, amino acid conservation, physicochemical variation, residue mobility, and thermodynamic stability) indicates that this missense variant is expected to disrupt MMP13 protein function with a positive predictive value of 80%. In summary, the available evidence is currently insufficient to determine the role of this variant in disease. Therefore, it has been classified as a Variant of Uncertain Significance.

Mendelics
Classification: Likely benign for Metaphyseal chondrodysplasia, Spahr type. Last evaluated: 2019-05-28. Review status: criteria provided, single submitter. Criteria: Mendelics Assertion Criteria 2017. Collection method: clinical testing. Allele origin: unknown.

Illumina Laboratory Services, Illumina
Classification: Benign for Metaphyseal anadysplasia. Last evaluated: 2018-01-13. Review status: criteria provided, single submitter. Criteria: ICSL Variant Classification Criteria 13 December 2019. Collection method: clinical testing. Allele origin: germline.
Comment: This variant was observed in the ICSL laboratory as part of a predisposition screen in an ostensibly healthy population. It had not been previously curated by ICSL or reported in the Human Gene Mutation Database (HGMD: prior to June 1st, 2018), and was therefore a candidate for classification through an automated scoring system. Utilizing variant allele frequency, disease prevalence and penetrance estimates, and inheritance mode, an automated score was calculated to assess if this variant is too frequent to cause the disease. Based on the score and internal cut-off values, a variant classified as benign is not then subjected to further curation. The score for this variant resulted in a classification of benign for this disease.

Illumina Laboratory Services, Illumina
Classification: Uncertain significance for Spondyloepimetaphyseal dysplasia, Missouri type. Last evaluated: 2018-01-13. Review status: criteria provided, single submitter. Criteria: ICSL Variant Classification Criteria 13 December 2019. Collection method: clinical testing. Allele origin: germline.